The following is an entry in ClinVar:

NM_024757.5(EHMT1):c.1816G>A (p.Glu606Lys)

Gene: EHMT1 (euchromatic histone lysine methyltransferase 1; plus strand). Cytogenetic location: 9q34.3.
Variant type: single nucleotide variant.
Coding change: c.1816G>A on transcript NM_024757.5 (MANE Select); coding-DNA position 1816, G replaced by A.
Protein change: p.Glu606Lys; replaces glutamic acid 606 with lysine.
Molecular consequence: missense variant.
Genome position (GRCh38, 1-based): chr9:137,776,642, G>A. VCF-style: chr9-137776642-G-A. GRCh37 (hg19) VCF-style: chr9-140671094-G-A.
Other names: c.1816G>A, p.Glu606Lys (NM_001145527.2); c.1723G>A, p.Glu575Lys (NM_001354259.2); c.1795G>A, p.Glu599Lys (NM_001354263.2); short protein forms E606K, E599K, E575K.
Identifiers: ClinVar variation 418177 (VCV000418177.6), dbSNP rs369492404, ClinGen allele CA5374744.

ClinVar aggregate classification (germline): Conflicting classifications of pathogenicity. Review status: criteria provided, conflicting classifications (1 of 4 stars). 2 submissions from 2 submitters: Uncertain significance (1); Benign (1). Last evaluated 2023-08-17.

Conditions:
Kleefstra syndrome 1 (KLEFS1). Identifiers: Orphanet 261494, MedGen C0795833, MONDO:0027407, OMIM 610253.

Allele frequency attached by ClinVar (database versions not stated): gnomAD exomes below 0.00001; TOPMed below 0.00001; ExAC 0.00001; gnomAD 0.00001; ESP Exome Variant Server 0.00008.
gnomAD v4.1: 5 of 1,613,896 alleles (0.00031%); highest among the groups gnomAD compares: Non-Finnish European, 0.00042%; no homozygotes.

Submissions (2):

Labcorp Genetics (formerly Invitae), Labcorp
Classification: Benign for Kleefstra syndrome 1. Last evaluated: 2023-08-17. Review status: criteria provided, single submitter. Criteria: Invitae Variant Classification Sherloc (09022015). Collection method: clinical testing. Allele origin: germline.

GeneDx
Classification: Uncertain significance. Last evaluated: 2023-01-24. Review status: criteria provided, single submitter. Criteria: GeneDx Variant Classification Process June 2021. Collection method: clinical testing. Allele origin: germline. Affected: yes.
Comment: Not observed at significant frequency in large population cohorts (gnomAD); In silico analysis supports that this missense variant does not alter protein structure/function; Has not been previously published as pathogenic or benign to our knowledge